The following is an entry in ClinVar:

NM_000104.4(CYP1B1):c.187G>C (p.Ala63Pro)

Gene: CYP1B1 (cytochrome P450 family 1 subfamily B member 1; minus strand). Cytogenetic location: 2p22.2.
Variant type: single nucleotide variant.
Coding change: c.187G>C on transcript NM_000104.4 (MANE Select); coding-DNA position 187, G replaced by C.
Protein change: p.Ala63Pro; replaces alanine 63 with proline.
Molecular consequence: missense variant.
Genome position (GRCh38, 1-based): chr2:38,075,202, C>G on the plus strand (G>C on the coding strand, the complement: CYP1B1 is on the minus strand). VCF-style: chr2-38075202-C-G. GRCh37 (hg19) VCF-style: chr2-38302345-C-G.
Other names: short protein forms A63P.
Identifiers: ClinVar variation 3769246 (VCV003769246.2).

ClinVar aggregate classification (germline): Uncertain significance (1 of 4 stars; one submission).

gnomAD v4.1: 3 of 1,576,442 alleles (0.00019%); highest among the groups gnomAD compares: South Asian, 0.0023%; no homozygotes.

Submission:

Women's Health and Genetics/Laboratory Corporation of America, LabCorp
Classification: Uncertain significance. Last evaluated: 2025-01-06. Review status: criteria provided, single submitter. Criteria: LabCorp Variant Classification Summary - May 2015. Collection method: clinical testing. Allele origin: germline.
Comment: Variant summary: CYP1B1 c.187G>C (p.Ala63Pro) results in a non-conservative amino acid change located in the cytochrome P450 domain (IPR001128) of the encoded protein sequence. Five of five in-silico tools predict a damaging effect of the variant on protein function. The variant allele was found at a frequency of 5.2e-06 in 193724 control chromosomes. The available data on variant occurrences in the general population are insufficient to allow any conclusion about variant significance. c.187G>C has been reported in the literature in at least one individual affected with Primary Congenital Glaucoma (e.g., Ava_2021). This report does not provide unequivocal conclusions about association of the variant with Primary Congenital Glaucoma. To our knowledge, no experimental evidence demonstrating an impact on protein function has been reported. The following publication has been ascertained in the context of this evaluation (PMID: 33745036). No submitters have cited clinical-significance assessments for this variant to ClinVar. Based on the evidence outlined above, the variant was classified as uncertain significance.

Literature cited by the submitters: PubMed 33745036.